The following is an entry in ClinVar:

ClinVar aggregate classification (germline): Uncertain significance (1 of 4 stars; one submission).

Conditions:
Intellectual developmental disorder, autosomal dominant 51. Also called: Intellectual disability, autosomal dominant 51; MENTAL RETARDATION, AUTOSOMAL DOMINANT 51. Identifiers: Orphanet 684226, MedGen C4540474, MONDO:0030917, OMIM 617788.

gnomAD v4.1: 9 of 1,613,636 alleles (0.00056%); highest among the groups gnomAD compares: South Asian, 0.0099%; no homozygotes.

Submission:

Neuberg Centre For Genomic Medicine, NCGM
Classification: Uncertain significance for Intellectual developmental disorder, autosomal dominant 51. Last evaluated: 2023-07-22. Review status: criteria provided, single submitter. Criteria: ACMG Guidelines, 2015. Collection method: clinical testing. Allele origin: germline. Inheritance: Autosomal dominant inheritance. Affected: yes.
Comment: The missense c.502C>Gp.Leu168Val variant in KMT5B gene has not been reported previously as a pathogenic variant nor as a benign variant, to our knowledge. The p.Leu168Val variant is present with allele frequency of 0.0004% in gnomAD Exomes. This variant has not been submitted to the ClinVar database. Multiple lines of computational evidences Polyphen - Benign, SIFT - Tolerated and MutationTaster - Disease causing predict conflicting evidence on protein structure and function for this variant. The reference amino acid at this position on KMT5B gene is predicted as conserved by GERP++ and PhyloP across 100 vertebrates. The amino acid Leu at position 168 is changed to a Val changing protein sequence and it might alter its composition and physico-chemical properties. For these reasons, this variant has been classified as a Variant of Uncertain Significance VUS.

NM_017635.5(KMT5B):c.502C>G (p.Leu168Val)

Gene: KMT5B (lysine methyltransferase 5B; minus strand). Cytogenetic location: 11q13.2.
Variant type: single nucleotide variant.
Coding change: c.502C>G on transcript NM_017635.5 (MANE Select); coding-DNA position 502, C replaced by G.
Protein change: p.Leu168Val; replaces leucine 168 with valine.
Molecular consequence: missense variant. On other transcripts: 5 prime UTR variant (9), non-coding transcript variant (3).
Genome position (GRCh38, 1-based): chr11:68,175,059, G>C on the plus strand (C>G on the coding strand, the complement: KMT5B is on the minus strand). VCF-style: chr11-68175059-G-C. GRCh37 (hg19) VCF-style: chr11-67942526-G-C.
Other names: c.-15C>G (NM_001300907.1, NM_001369424.1, NM_001369428.1 and 5 more transcripts); c.-166C>G (NM_001300908.2); c.433C>G, p.Leu145Val (NM_001300909.2); c.502C>G, p.Leu168Val (NM_001363566.2, NM_001369426.1, NM_001369427.1 and 1 more transcripts); c.289C>G, p.Leu97Val (NM_001369425.1); short protein forms L145V, L168V, L97V.
Identifiers: ClinVar variation 3391350 (VCV003391350.1).